The following is an entry in ClinVar:

ClinVar aggregate classification (germline): Uncertain significance (1 of 4 stars; one submission).

gnomAD v4.1: 3 of 1,613,904 alleles (0.00019%); highest among the groups gnomAD compares: Middle Eastern, 0.016%; no homozygotes.

Submission:

GeneDx
Classification: Uncertain significance. Last evaluated: 2022-03-15. Review status: criteria provided, single submitter. Criteria: GeneDx Variant Classification Process June 2021. Collection method: clinical testing. Allele origin: germline. Affected: yes.
Comment: Not observed at significant frequency in large population cohorts (gnomAD); In silico analysis supports that this missense variant does not alter protein structure/function; Has not been previously published as pathogenic or benign to our knowledge; Although located in a calcium-binding EGF-like domain of the FBN1 gene, it does not affect a cysteine residue within this domain; cysteine substitutions in the calcium-binding EGF-like domains represent the majority of pathogenic missense changes associated with FBN1-related disorders (Collod-Beroud et al., 2003); This variant is associated with the following publications: (PMID: 12938084)

NM_000138.5(FBN1):c.902G>A (p.Gly301Glu)

Gene: FBN1 (fibrillin 1; minus strand). Cytogenetic location: 15q21.1.
Variant type: single nucleotide variant.
Coding change: c.902G>A on transcript NM_000138.5 (MANE Select); coding-DNA position 902, G replaced by A.
Protein change: p.Gly301Glu; replaces glycine 301 with glutamic acid.
Molecular consequence: missense variant.
Genome position (GRCh38, 1-based): chr15:48,526,216, C>T on the plus strand (G>A on the coding strand, the complement: FBN1 is on the minus strand). VCF-style: chr15-48526216-C-T. GRCh37 (hg19) VCF-style: chr15-48818413-C-T.
Other names: c.902G>A, p.Gly301Glu (NM_001406716.1); short protein forms G301E.
Identifiers: ClinVar variation 1706266 (VCV001706266.2), dbSNP rs142888621, ClinGen allele CA269567038.